The following is an entry in ClinVar:

NM_001098.3(ACO2):c.1544C>T (p.Thr515Met)

Gene: ACO2 (aconitase 2; plus strand). Cytogenetic location: 22q13.2.
Variant type: single nucleotide variant.
Coding change: c.1544C>T on transcript NM_001098.3 (MANE Select); coding-DNA position 1544, C replaced by T.
Protein change: p.Thr515Met; replaces threonine 515 with methionine.
Molecular consequence: missense variant.
Genome position (GRCh38, 1-based): chr22:41,524,907, C>T. VCF-style: chr22-41524907-C-T. GRCh37 (hg19) VCF-style: chr22-41920911-C-T.
Other names: short protein forms T515M.
Identifiers: ClinVar variation 1909302 (VCV001909302.5), dbSNP rs776989836, ClinGen allele CA10257693.
Genomic context (GRCh38, chr22:41,524,907, plus strand): 5'-TTGTCACAGCCCTGGCCATTGCGGGAACCCTCAAGTTCAACCCAGAGACCGACTACCTGA[C>T]GGGCACGGATGGCAAGAAGTTCAGGCTGGAGGCTCCGGATGCAGATGAGCTTCCCAAAGG-3'
Protein context (NP_001089.1, residues 505-525): LKFNPETDYL[Thr515Met]GTDGKKFRLE

ClinVar aggregate classification (germline): Uncertain significance (1 of 4 stars; one submission).

Allele frequency attached by ClinVar (database versions not stated): gnomAD 0.00001; TOPMed 0.00002; gnomAD exomes 0.00005; ExAC 0.00007.
gnomAD v4.1: 71 of 1,614,062 alleles (0.0044%); highest among the groups gnomAD compares: Middle Eastern, 0.016%; no homozygotes.

Submission:

Labcorp Genetics (formerly Invitae), Labcorp
Classification: Uncertain significance. Last evaluated: 2022-09-16. Review status: criteria provided, single submitter. Criteria: Invitae Variant Classification Sherloc (09022015). Collection method: clinical testing. Allele origin: germline.
Comment: This sequence change replaces threonine, which is neutral and polar, with methionine, which is neutral and non-polar, at codon 515 of the ACO2 protein (p.Thr515Met). This variant is present in population databases (rs776989836, gnomAD 0.01%). This variant has not been reported in the literature in individuals affected with ACO2-related conditions. Advanced modeling of protein sequence and biophysical properties (such as structural, functional, and spatial information, amino acid conservation, physicochemical variation, residue mobility, and thermodynamic stability) performed at Invitae indicates that this missense variant is not expected to disrupt ACO2 protein function. In summary, the available evidence is currently insufficient to determine the role of this variant in disease. Therefore, it has been classified as a Variant of Uncertain Significance.